The following is an entry in ClinVar:

ClinVar aggregate classification (germline): Uncertain significance. Review status: criteria provided, multiple submitters, no conflicts (2 of 4 stars). 2 submissions from 2 submitters: Uncertain significance (2). Last evaluated 2023-09-20.

Allele frequency attached by ClinVar (database versions not stated): gnomAD exomes below 0.00001 and 0.00001.

Submissions (2):

Ambry Genetics
Classification: Uncertain significance. Last evaluated: 2023-09-20. Review status: criteria provided, single submitter. Criteria: Ambry Variant Classification Scheme 2023. Collection method: clinical testing. Allele origin: germline.
Comment: The p.W355R variant (also known as c.1063T>C), located in coding exon 9 of the FAM175A gene, results from a T to C substitution at nucleotide position 1063. The tryptophan at codon 355 is replaced by arginine, an amino acid with dissimilar properties. This amino acid position is conserved. In addition, this alteration is predicted to be tolerated by in silico analysis. Since supporting evidence is limited at this time, the clinical significance of this alteration remains unclear.

Labcorp Genetics (formerly Invitae), Labcorp
Classification: Uncertain significance. Last evaluated: 2022-12-12. Review status: criteria provided, single submitter. Criteria: Invitae Variant Classification Sherloc (09022015). Collection method: clinical testing. Allele origin: germline.
Comment: In summary, the available evidence is currently insufficient to determine the role of this variant in disease. Therefore, it has been classified as a Variant of Uncertain Significance. Algorithms developed to predict the effect of missense changes on protein structure and function output the following: SIFT: "Tolerated"; PolyPhen-2: "Benign"; Align-GVGD: "Class C0". The arginine amino acid residue is found in multiple mammalian species, which suggests that this missense change does not adversely affect protein function. ClinVar contains an entry for this variant (Variation ID: 1374861). This variant has not been reported in the literature in individuals affected with ABRAXAS1-related conditions. This variant is present in population databases (no rsID available, gnomAD 0.02%). This sequence change replaces tryptophan, which is neutral and slightly polar, with arginine, which is basic and polar, at codon 355 of the ABRAXAS1 protein (p.Trp355Arg).

NM_139076.3(ABRAXAS1):c.1063T>C (p.Trp355Arg)

Gene: ABRAXAS1 (abraxas 1, BRCA1 A complex subunit; minus strand). Cytogenetic location: 4q21.23.
Variant type: single nucleotide variant.
Coding change: c.1063T>C on transcript NM_139076.3 (MANE Select); coding-DNA position 1063, T replaced by C.
Protein change: p.Trp355Arg; replaces tryptophan 355 with arginine.
Molecular consequence: missense variant.
Genome position (GRCh38, 1-based): chr4:83,462,636, A>G on the plus strand (T>C on the coding strand, the complement: ABRAXAS1 is on the minus strand). VCF-style: chr4-83462636-A-G. GRCh37 (hg19) VCF-style: chr4-84383789-A-G.
Other names: c.1063T>C (NM_139076.2); c.736T>C, p.Trp246Arg (NM_001345962.2); short protein forms W246R, W355R.
Identifiers: ClinVar variation 1374861 (VCV001374861.7), dbSNP rs1340605631, ClinGen allele CA357255299.
Genomic context (GRCh38, chr4:83,462,636, plus strand): 5'-CAGTATCTGCTTTAGATCGTTTGTCTTGTGTATCTAACAACCGAGATCTCTTGAATTGCC[A>G]TCTGTCATCTAAGTCTAAGGCTTTATGCTTAATGATTTGTGGTGTACTAGCTGGACTAGC-3'
Protein context (NP_620775.2, residues 345-365): KHKALDLDDR[Trp355Arg]QFKRSRLLDT